The following is an entry in ClinVar:

ClinVar aggregate classification (germline): Uncertain significance (1 of 4 stars; one submission).

Conditions:
Neuropathy, hereditary sensory and autonomic, type 2A (HSAN2A). Also called: HSAN IIA; ACROOSTEOLYSIS, GIACCAI TYPE; ACROOSTEOLYSIS, NEUROGENIC; MORVAN DISEASE; NEUROPATHY, CONGENITAL SENSORY; NEUROPATHY, HEREDITARY SENSORY RADICULAR, AUTOSOMAL RECESSIVE. Identifiers: Orphanet 970, MedGen C2752089, MONDO:0024309, OMIM 201300.
Generalized epilepsy with febrile seizures plus, type 7 (GEFSP7). Also called: GEFS+, TYPE 7. Identifiers: Orphanet 36387, MedGen C2751778, MONDO:0013470, OMIM 613863.

Submission:

Labcorp Genetics (formerly Invitae), Labcorp
Classification: Uncertain significance for Neuropathy, hereditary sensory and autonomic, type 2A; Generalized epilepsy with febrile seizures plus, type 7. Last evaluated: 2025-06-07. Review status: criteria provided, single submitter. Criteria: Invitae Variant Classification Sherloc (09022015). Collection method: clinical testing. Allele origin: germline.
Comment: This sequence change replaces methionine, which is neutral and non-polar, with threonine, which is neutral and polar, at codon 1422 of the SCN9A protein (p.Met1422Thr). This variant is present in population databases (rs373342949, gnomAD 0.001%). This variant has not been reported in the literature in individuals affected with SCN9A-related conditions. ClinVar contains an entry for this variant (Variation ID: 3762495). Invitae Evidence Modeling of protein sequence and biophysical properties (such as structural, functional, and spatial information, amino acid conservation, physicochemical variation, residue mobility, and thermodynamic stability) indicates that this missense variant is not expected to disrupt SCN9A protein function with a negative predictive value of 95%. In summary, the available evidence is currently insufficient to determine the role of this variant in disease. Therefore, it has been classified as a Variant of Uncertain Significance.

NM_001365536.1(SCN9A):c.4298T>C (p.Met1433Thr)

Genes: SCN9A (sodium voltage-gated channel alpha subunit 9; minus strand), SCN1A-AS1 (SCN1A and SCN9A antisense RNA 1; plus strand). Cytogenetic location: 2q24.3.
Variant type: single nucleotide variant.
Coding change: c.4298T>C on transcript NM_001365536.1 (MANE Select); coding-DNA position 4298, T replaced by C.
Protein change: p.Met1433Thr; replaces methionine 1433 with threonine.
Molecular consequence: missense variant.
Genome position (GRCh38, 1-based): chr2:166,226,667, A>G on the plus strand (T>C on the coding strand, the complement: SCN9A is on the minus strand). VCF-style: chr2-166226667-A-G. GRCh37 (hg19) VCF-style: chr2-167083177-A-G.
Other names: c.4265T>C, p.Met1422Thr (NM_002977.4); short protein forms M1422T, M1433T.
Identifiers: ClinVar variation 3762495 (VCV003762495.2).